The following is an entry in ClinVar:

NM_015338.6(ASXL1):c.1243G>A (p.Asp415Asn)

Gene: ASXL1 (ASXL transcriptional regulator 1; plus strand). Cytogenetic location: 20q11.21.
Variant type: single nucleotide variant.
Coding change: c.1243G>A on transcript NM_015338.6 (MANE Select); coding-DNA position 1243, G replaced by A.
Protein change: p.Asp415Asn; replaces aspartic acid 415 with asparagine.
Molecular consequence: missense variant.
Genome position (GRCh38, 1-based): chr20:32,433,441, G>A. VCF-style: chr20-32433441-G-A. GRCh37 (hg19) VCF-style: chr20-31021244-G-A.
Other names: c.1060G>A, p.Asp354Asn (NM_001363734.1); short protein forms D415N, D354N.
Identifiers: ClinVar variation 4588086 (VCV004588086.1).

ClinVar aggregate classification (germline): Uncertain significance (1 of 4 stars; one submission).

Conditions:
Inborn genetic diseases. Identifiers: MedGen C0950123, MeSH D030342.

Submission:

Ambry Genetics
Classification: Uncertain significance for Inborn genetic diseases. Last evaluated: 2025-10-23. Review status: criteria provided, single submitter. Criteria: Ambry Variant Classification Scheme 2023. Collection method: clinical testing. Allele origin: germline.
Comment: The p.D415N variant (also known as c.1243G>A), located in coding exon 12 of the ASXL1 gene, results from a G to A substitution at nucleotide position 1243. The aspartic acid at codon 415 is replaced by asparagine, an amino acid with highly similar properties. This amino acid position is conserved. In addition, this alteration is predicted to be tolerated by in silico analysis. Based on the available evidence, the clinical significance of this variant remains unclear.